The following is an entry in ClinVar:

NM_000548.5(TSC2):c.1386C>T (p.Arg462=)

Gene: TSC2 (TSC complex subunit 2; plus strand). Cytogenetic location: 16p13.3.
Variant type: single nucleotide variant.
Coding change: c.1386C>T on transcript NM_000548.5 (MANE Select); coding-DNA position 1386, C replaced by T.
Protein change: p.Arg462=; no amino-acid change (arginine 462 retained).
Molecular consequence: synonymous variant. On other transcripts: non-coding transcript variant (5), intron variant (1).
Genome position (GRCh38, 1-based): chr16:2,062,996, C>T. VCF-style: chr16-2062996-C-T. GRCh37 (hg19) VCF-style: chr16-2112997-C-T.
Other names: c.786C>T, p.Arg262= (NM_001406683.1, NM_001406684.1, NM_001406685.1 and 6 more transcripts); c.42C>T, p.Arg14= (NM_001406689.1, NM_001406690.1, NM_001406691.1 and 6 more transcripts); c.1386C>T, p.Arg462= (NM_021055.3, NM_001077183.3, NM_001114382.3 and 6 more transcripts); c.-160+396C>T (NM_001406698.1); c.1374C>T, p.Arg458= (NM_001406671.1, NM_001406673.1); c.1239C>T, p.Arg413= (NM_001406675.1, NM_001406676.1, NM_001406679.1 and 1 more transcripts); c.1329C>T, p.Arg443= (NM_001406677.1); c.1275C>T, p.Arg425= (NM_001406678.1, NM_001406670.1, NM_001318827.2); and 3 more.
Identifiers: ClinVar variation 4071158 (VCV004071158.2).

ClinVar aggregate classification (germline): Benign/Likely benign. Review status: criteria provided, multiple submitters, no conflicts (2 of 4 stars). 2 submissions from 2 submitters: Benign (1); Likely benign (1). Last evaluated 2025-08-30.

Conditions:
Tuberous sclerosis 2 (TSC2). Identifiers: Orphanet 805, MedGen C1860707, MONDO:0013199, OMIM 613254.

gnomAD v4.1: 2 of 1,551,258 alleles (0.00013%); highest among the groups gnomAD compares: Non-Finnish European, 0.00017%; no homozygotes.

Submissions (2):

Labcorp Genetics (formerly Invitae), Labcorp
Classification: Likely benign for Tuberous sclerosis 2. Last evaluated: 2025-08-30. Review status: criteria provided, single submitter. Criteria: Invitae Variant Classification Sherloc (09022015). Collection method: clinical testing. Allele origin: germline.

Myriad Genetics, Inc.
Classification: Benign for Tuberous sclerosis 2. Last evaluated: 2025-05-14. Review status: criteria provided, single submitter. Criteria: Myriad Autosomal Dominant, Autosomal Recessive and X-Linked Classification Criteria (2023). Collection method: clinical testing. Allele origin: unknown.
Comment: This variant is considered benign. This variant is a silent/synonymous amino acid change and it is not expected to impact splicing.